The following is an entry in ClinVar:

NM_000038.6(APC):c.2075C>T (p.Pro692Leu)

Gene: APC (APC regulator of Wnt signaling pathway; plus strand). Cytogenetic location: 5q22.2.
Variant type: single nucleotide variant.
Coding change: c.2075C>T on transcript NM_000038.6 (MANE Select); coding-DNA position 2075, C replaced by T.
Protein change: p.Pro692Leu; replaces proline 692 with leucine.
Molecular consequence: missense variant. On other transcripts: non-coding transcript variant (2).
Genome position (GRCh38, 1-based): chr5:112,837,669, C>T. VCF-style: chr5-112837669-C-T. GRCh37 (hg19) VCF-style: chr5-112173366-C-T.
Other names: c.2075C>T, p.Pro692Leu (NM_001127510.3, NM_001354895.2, NM_001407450.1); c.2021C>T, p.Pro674Leu (NM_001127511.3); c.2129C>T, p.Pro710Leu (NM_001354896.2, NM_001407447.1, NM_001407448.1 and 1 more transcripts); c.2105C>T, p.Pro702Leu (NM_001354897.2); c.2000C>T, p.Pro667Leu (NM_001354898.2); c.1991C>T, p.Pro664Leu (NM_001354899.2); c.1952C>T, p.Pro651Leu (NM_001354900.2); c.1772C>T, p.Pro591Leu (NM_001407459.1, NM_001407460.1, NM_001354903.2 and 1 more transcripts); and 11 more; short protein forms P633L, P667L, P682L, P702L, P532L, P609L, P664L, P720L.
Identifiers: ClinVar variation 3930006 (VCV003930006.1).

ClinVar aggregate classification (germline): Uncertain significance (1 of 4 stars; one submission).

Conditions:
Hereditary cancer-predisposing syndrome. Also called: Tumor predisposition; Hereditary neoplastic syndrome; Hereditary Cancer Syndrome; Neoplastic Syndromes, Hereditary. Identifiers: Orphanet 140162, MedGen C0027672, MeSH D009386, MONDO:0015356.

Submission:

Ambry Genetics
Classification: Uncertain significance for Hereditary cancer-predisposing syndrome. Last evaluated: 2025-06-12. Review status: criteria provided, single submitter. Criteria: Ambry Variant Classification Scheme 2023. Collection method: clinical testing. Allele origin: germline.
Comment: The p.P692L variant (also known as c.2075C>T), located in coding exon 15 of the APC gene, results from a C to T substitution at nucleotide position 2075. The proline at codon 692 is replaced by leucine, an amino acid with similar properties. This amino acid position is conserved. In addition, in silico predictors for this gene do not accurately predict pathogenicity. Based on the available evidence, the clinical significance of this variant remains unclear.